The following is an entry in ClinVar:

NM_004385.5(VCAN):c.6277G>C (p.Glu2093Gln)

Genes: VCAN (versican; plus strand), VCAN-AS1 (VCAN antisense RNA 1; minus strand). Cytogenetic location: 5q14.3.
Variant type: single nucleotide variant.
Coding change: c.6277G>C on transcript NM_004385.5 (MANE Select); coding-DNA position 6277, G replaced by C.
Protein change: p.Glu2093Gln; replaces glutamic acid 2093 with glutamine.
Molecular consequence: missense variant. On other transcripts: intron variant (2).
Genome position (GRCh38, 1-based): chr5:83,539,280, G>C. VCF-style: chr5-83539280-G-C. GRCh37 (hg19) VCF-style: chr5-82835099-G-C.
Other names: c.3316G>C, p.Glu1106Gln (NM_001164097.2); c.4004-6257G>C (NM_001164098.2); c.1043-6257G>C (NM_001126336.3); short protein forms E1106Q, E2093Q.
Identifiers: ClinVar variation 930695 (VCV000930695.4), dbSNP rs756371655, ClinGen allele CA3333466.

ClinVar aggregate classification (germline): Uncertain significance. Review status: criteria provided, multiple submitters, no conflicts (2 of 4 stars). 2 submissions from 2 submitters: Uncertain significance (2). Last evaluated 2022-07-05.

Conditions:
Wagner disease. Also called: WAGNER VITREORETINAL DEGENERATION; WAGNER SYNDROME 1; HYALOIDEORETINAL DEGENERATION OF WAGNER; Wagner syndrome; Wagner Vitreoretinal Degeneration (Wagner Synrdome); WAGNER VITREORETINOPATHY. Identifiers: Orphanet 898, MedGen C1840452, MONDO:0007740, OMIM 143200.

Allele frequency attached by ClinVar (database versions not stated): gnomAD exomes below 0.00001; ExAC 0.00001.
gnomAD v4.1: 3 of 1,614,034 alleles (0.00019%); highest among the groups gnomAD compares: Non-Finnish European, 0.00025%; no homozygotes.

Submissions (2):

Blueprint Genetics
Classification: Uncertain significance. Last evaluated: 2022-07-05. Review status: criteria provided, single submitter. Criteria: ACMG Guidelines, 2015. Collection method: clinical testing. Allele origin: germline.

Centre for Mendelian Genomics, University Medical Centre Ljubljana
Classification: Uncertain significance for Wagner disease. Last evaluated: 2018-10-08. Review status: criteria provided, single submitter. Criteria: ACMG Guidelines, 2015. Collection method: clinical testing. Allele origin: unknown. Affected: yes.
Comment: This variant was classified as: Uncertain significance. The available evidence on this variant's pathogenicity is insufficient or conflicting. The following ACMG criteria were applied in classifying this variant: BP1.